The following is an entry in ClinVar:

ClinVar aggregate classification (germline): Uncertain significance (1 of 4 stars; one submission).

Conditions:
Leigh syndrome (NULS). Also called: Leigh's necrotizing encephalopathy; Leigh's disease; Leigh Syndrome (mtDNA deletion); Leigh Disease; Subacute necrotizing encephalopathy; Necrotizing encephalopathy infantile subacute of Leigh. Identifiers: Orphanet 506, MedGen C2931891, MONDO:0009723, OMIM 256000.

Submission:

Wong Mito Lab, Molecular and Human Genetics, Baylor College of Medicine
Classification: Uncertain significance for Leigh syndrome. Last evaluated: 2019-10-17. Review status: criteria provided, single submitter. Criteria: Modified ACMG Guidelines (Unpublished). Collection method: clinical testing. Allele origin: germline.
Comment: The NC_012920.1:m.11289T>C (YP_003024035.1:p.Leu177Pro) variant in MTND4 gene is interpretated to be a Uncertain Significance variant based on the modified ACMG guidelines (unpublished). This variant meets the following evidence codes: PP6, BP4

NC_012920.1(MT-ND4):m.11289T>C

Gene: MT-ND4 (mitochondrially encoded NADH dehydrogenase 4; plus strand).
Variant type: single nucleotide variant.
Genome position: chrM-11289-T-C.
Identifiers: ClinVar variation 693359 (VCV000693359.1), dbSNP rs1603223215, ClinGen allele CA414809862.